The following is an entry in ClinVar:

ClinVar aggregate classification (germline): Uncertain significance (1 of 4 stars; one submission).

Conditions:
Familial cancer of breast. Also called: hereditary breast carcinoma; BREAST CANCER, FAMILIAL; Hereditary breast cancer. Identifiers: Orphanet 227535, MedGen C0346153, MONDO:0016419, OMIM 114480. Disease mechanism: loss of function.

Submission:

Labcorp Genetics (formerly Invitae), Labcorp
Classification: Uncertain significance for Familial cancer of breast. Last evaluated: 2024-10-28. Review status: criteria provided, single submitter. Criteria: Invitae Variant Classification Sherloc (09022015). Collection method: clinical testing. Allele origin: germline.
Comment: This sequence change falls in intron 9 of the PALB2 gene. It does not directly change the encoded amino acid sequence of the PALB2 protein. This variant is not present in population databases (gnomAD no frequency). This variant has not been reported in the literature in individuals affected with PALB2-related conditions. Experimental studies and prediction algorithms are not available or were not evaluated, and the effect of this variant on mRNA splicing is currently unknown. In summary, the available evidence is currently insufficient to determine the role of this variant in disease. Therefore, it has been classified as a Variant of Uncertain Significance.

NM_024675.4(PALB2):c.2975_2996+39dup

Gene: PALB2 (partner and localizer of BRCA2; minus strand). Cytogenetic location: 16p12.2.
Variant type: Duplication.
Coding change: c.2975_2996+39dup on transcript NM_024675.4 (MANE Select); coding-DNA position 2975 through 39 bases into the intron after coding-DNA position 2996, 61 bases duplicated.
Molecular consequence: splice donor variant. On other transcripts: intron variant (1).
Genome position (GRCh38, 1-based): chr16:23,622,930-23,622,990, 61 bases duplicated. GRCh37 (hg19): chr16:23,634,252-23,634,312.
Other names: c.2090_2111+39dup (NM_001407308.1, NM_001407306.1, NM_001407309.1 and 4 more transcripts); c.509_530+39dup (NM_001407314.1); c.1187_1208+39dup (NM_001407313.1, NM_001407312.1); c.2915_2936+39dup (NM_001407296.1); c.2903_2924+39dup (NM_001407297.1); c.2813_2834+39dup (NM_001407302.1, NM_001407298.1); c.2834+1019_2834+1079dup (NM_001407300.1); c.2975_2996+39dup (NM_001407299.1, NM_001407301.1); and 1 more.
Identifiers: ClinVar variation 3688059 (VCV003688059.2).